The following is an entry in ClinVar:

NM_022168.4(IFIH1):c.2481G>C (p.Glu827Asp)

Gene: IFIH1 (interferon induced with helicase C domain 1; minus strand). Cytogenetic location: 2q24.2.
Variant type: single nucleotide variant.
Coding change: c.2481G>C on transcript NM_022168.4 (MANE Select); coding-DNA position 2481, G replaced by C.
Protein change: p.Glu827Asp; replaces glutamic acid 827 with aspartic acid.
Molecular consequence: missense variant.
Genome position (GRCh38, 1-based): chr2:162,272,361, C>G on the plus strand (G>C on the coding strand, the complement: IFIH1 is on the minus strand). VCF-style: chr2-162272361-C-G. GRCh37 (hg19) VCF-style: chr2-163128871-C-G.
Other names: short protein forms E827D.
Identifiers: ClinVar variation 1957518 (VCV001957518.5), dbSNP rs1203164321, ClinGen allele CA348994513.

ClinVar aggregate classification (germline): Uncertain significance (1 of 4 stars; one submission).

Conditions:
Singleton-Merten syndrome 1 (SGMRT1). Also called: Widened medullary cavities of bone, aortic calcification, abnormal dentition, and muscular weakness; Syndrome of widened medullary cavities of the metacarpals and phalanges, aortic calcification and abnormal dentition. Identifiers: Orphanet 85191, MedGen C4225427, MONDO:0024535, OMIM 182250.
Aicardi-Goutieres syndrome 7 (AGS7). Identifiers: Orphanet 51, MedGen C3888244, MONDO:0014367, OMIM 615846.

gnomAD v4.1: 1 of 1,613,398 alleles (0.000062%); highest among the groups gnomAD compares: Non-Finnish European, 0.000085%; no homozygotes.

Submission:

Labcorp Genetics (formerly Invitae), Labcorp
Classification: Uncertain significance for Aicardi-Goutieres syndrome 7; Singleton-Merten syndrome 1. Last evaluated: 2022-07-24. Review status: criteria provided, single submitter. Criteria: Invitae Variant Classification Sherloc (09022015). Collection method: clinical testing. Allele origin: germline.
Comment: This sequence change replaces glutamic acid, which is acidic and polar, with aspartic acid, which is acidic and polar, at codon 827 of the IFIH1 protein (p.Glu827Asp). This variant is not present in population databases (gnomAD no frequency). This variant has not been reported in the literature in individuals affected with IFIH1-related conditions. Algorithms developed to predict the effect of missense changes on protein structure and function (SIFT, PolyPhen-2, Align-GVGD) all suggest that this variant is likely to be tolerated. In summary, the available evidence is currently insufficient to determine the role of this variant in disease. Therefore, it has been classified as a Variant of Uncertain Significance.